The following is an entry in ClinVar:

NM_002821.5(PTK7):c.3110A>G (p.Tyr1037Cys)

Gene: PTK7 (protein tyrosine kinase 7 (inactive); plus strand). Cytogenetic location: 6p21.1.
Variant type: single nucleotide variant.
Coding change: c.3110A>G on transcript NM_002821.5 (MANE Select); coding-DNA position 3110, A replaced by G.
Protein change: p.Tyr1037Cys; replaces tyrosine 1037 with cysteine.
Molecular consequence: missense variant. On other transcripts: non-coding transcript variant (2).
Genome position (GRCh38, 1-based): chr6:43,160,778, A>G. VCF-style: chr6-43160778-A-G. GRCh37 (hg19) VCF-style: chr6-43128516-A-G.
Other names: c.3134A>G, p.Tyr1045Cys (NM_001270398.2); c.2990A>G, p.Tyr997Cys (NM_152880.4); c.2720A>G, p.Tyr907Cys (NM_152881.4); c.2942A>G, p.Tyr981Cys (NM_152882.4); short protein forms Y1037C, Y1045C, Y907C, Y981C, Y997C.
Identifiers: ClinVar variation 3051154 (VCV003051154.2), dbSNP rs2533397293, ClinGen allele CA364187094.

ClinVar aggregate classification (germline): Uncertain significance (0 of 4 stars; one submission).

Conditions:
PTK7-related disorder. Also called: PTK7-related condition.

Allele frequency attached by ClinVar (database versions not stated): gnomAD exomes below 0.00001.
gnomAD v4.1: 1 of 1,614,212 alleles (0.000062%); highest among the groups gnomAD compares: South Asian, 0.0011%; no homozygotes.

Submission:

PreventionGenetics, part of Exact Sciences
Classification: Uncertain significance for PTK7-related condition. Last evaluated: 2023-10-19. Review status: no assertion criteria provided. Collection method: clinical testing. Allele origin: germline.
Comment: The PTK7 c.3110A>G variant is predicted to result in the amino acid substitution p.Tyr1037Cys. To our knowledge, this variant has not been reported in the literature or in a large population database, indicating this variant is rare. At this time, the clinical significance of this variant is uncertain due to the absence of conclusive functional and genetic evidence.